The following is an entry in ClinVar:

NM_015906.4(TRIM33):c.1650_1651insTGT (p.Thr550_Gln551insCys)

Gene: TRIM33 (tripartite motif containing 33; minus strand). Cytogenetic location: 1p13.2.
Variant type: Insertion.
Coding change: c.1650_1651insTGT on transcript NM_015906.4 (MANE Select); coding-DNA positions 1650 to 1651, TGT inserted.
Protein change: p.Thr550_Gln551insCys.
Molecular consequence: inframe insertion.
Genome position: GRCh38 VCF-style: chr1-114425493-G-GACA. GRCh37 (hg19) VCF-style: chr1-114968115-G-GACA.
Other names: c.1650_1651insTGT, p.Thr550_Gln551insCys (NM_033020.3).
Identifiers: ClinVar variation 3063595 (VCV003063595.2).

ClinVar aggregate classification (germline): Likely pathogenic (1 of 4 stars; one submission).

Conditions:
Developmental dysplasia of the hip. Also called: Hip dysplasia; Dysplasia of acetabulum; Congenital hip dysplasia; HIP DYSPLASIA, DEVELOPMENTAL. Identifiers: MedGen C4551649, MONDO:0000158, HP:0001385.

Submission:

The Morris Kahn Laboratory of Human Genetics, Ben-gurion University of the Negev
Classification: Likely pathogenic for Developmental dysplasia of the hip. Review status: criteria provided, single submitter. Criteria: ACMG Guidelines, 2015. Collection method: research, in vitro. Allele origin: germline. Inheritance: Autosomal recessive inheritance. Affected: yes. Observed: 9 variant alleles, 5 heterozygotes, 4 homozygotes. Clinical features observed: Congenital hip dislocation (HP:0001374), Acetabular dysplasia (HP:0008807).
Comment: Linkage analysis and whole exome sequencing delineated a single 3.2Mbp disease-associated chromosome 1 locus (maximal multipoint LOD score 2.3), containing a single homozygous variant with relevant expression pattern: addition of threonine in TRIM33 (NM_015906.4); c.1648_1650dupACA. Segregation of the TRIM33 variant throughout the studied family was assessed through Sanger sequencing, demonstrating all affected individuals to be homozygous for the variant, the obligatory carrier parents and unaffected siblings IV-5, IV-8, IV-9 to be heterozygous, and unaffected siblings wildtype. The TRIM33 variant is found in 13 alleles in the Genome Aggregation Database with no homozygotes. Of 90 individuals of the same inbred tribe of the tested family, there were 9 heterozygous carriers of the variant with no homozygotes